The following is an entry in ClinVar:

NM_201384.3(PLEC):c.12561C>T (p.Asp4187=)

Gene: PLEC (plectin; minus strand). Cytogenetic location: 8q24.3.
Variant type: single nucleotide variant.
Coding change: c.12561C>T on transcript NM_201384.3 (MANE Select); coding-DNA position 12561, C replaced by T.
Protein change: p.Asp4187=; no amino-acid change (aspartic acid 4187 retained).
Molecular consequence: synonymous variant.
Genome position (GRCh38, 1-based): chr8:143,917,260, G>A on the plus strand (C>T on the coding strand, the complement: PLEC is on the minus strand). VCF-style: chr8-143917260-G-A. GRCh37 (hg19) VCF-style: chr8-144991428-G-A.
Other names: p.Asp4173=; c.12642C>T, p.Asp4214= (NM_000445.5); c.12519C>T, p.Asp4173= (NM_201378.4); c.12495C>T, p.Asp4165= (NM_201379.3); c.12972C>T, p.Asp4324= (NM_201380.4); c.12465C>T, p.Asp4155= (NM_201381.3); c.12561C>T, p.Asp4187= (NM_201382.4); c.12573C>T, p.Asp4191= (NM_201383.3).
Identifiers: ClinVar variation 93028 (VCV000093028.29), dbSNP rs11998271, ClinGen allele CA146268.

ClinVar aggregate classification (germline): Benign. Review status: criteria provided, multiple submitters, no conflicts (2 of 4 stars). 9 submissions from 9 submitters: Benign (6). 3 of the submissions do not count toward it. Last evaluated 2026-02-03.

Conditions:
Epidermolysis bullosa simplex, Ogna type (EBS5A). Also called: Pidermolysis bullosa simplex 5A, Ogna type; EPIDERMOLYSIS BULLOSA SIMPLEX 5A, OGNA TYPE. Identifiers: Orphanet 79401, MedGen C0432317, MONDO:0007555, OMIM 131950.
Autosomal recessive limb-girdle muscular dystrophy type 2Q (LGMDR17). Also called: MUSCULAR DYSTROPHY, LIMB-GIRDLE, AUTOSOMAL RECESSIVE 17. Identifiers: Orphanet 254361, MedGen C3150989, MONDO:0013390, OMIM 613723.
Epidermolysis bullosa simplex 5C, with pyloric atresia (EBS5C). Also called: PLEC-Related Epidermolysis Bullosa with Pyloric Atresia; Epidermolysis bullosa simplex with pyloric atresia; PLEC1-Related Epidermolysis Bullosa with Pyloric Atresia. Identifiers: Orphanet 158684, MedGen C2677349, MONDO:0012807, OMIM 612138.
Epidermolysis bullosa simplex with nail dystrophy (EBS5D). Identifiers: MedGen C4225309, MONDO:0014661, OMIM 616487.
Epidermolysis bullosa simplex 5B, with muscular dystrophy (EBS5B). Also called: EPIDERMOLYSIS BULLOSA SIMPLEX AND LIMB-GIRDLE MUSCULAR DYSTROPHY; Epidermolysis bullosa simplex with muscular dystrophy. Identifiers: Orphanet 257, MedGen C2931072, MONDO:0009181, OMIM 226670.

Allele frequency attached by ClinVar (database versions not stated): gnomAD exomes 0.00794 and 0.02062; ExAC 0.02528; gnomAD 0.07985 and 0.08588; 1000 Genomes Project 0.08367; TOPMed 0.08827; ESP Exome Variant Server 0.09014; 1000 Genomes Project 30x 0.09088.
gnomAD v4.1: 24,184 of 1,611,204 alleles (1.5%); highest among the groups gnomAD compares: African/African-American, 28%; 3,083 homozygotes.

Submissions (9):

Labcorp Genetics (formerly Invitae), Labcorp
Classification: Benign for Autosomal recessive limb-girdle muscular dystrophy type 2Q; Epidermolysis bullosa simplex, Ogna type; Epidermolysis bullosa simplex with nail dystrophy; Epidermolysis bullosa simplex 5C, with pyloric atresia; Epidermolysis bullosa simplex 5B, with muscular dystrophy. Last evaluated: 2026-02-03. Review status: criteria provided, single submitter. Criteria: Invitae Variant Classification Sherloc (09022015). Collection method: clinical testing. Allele origin: germline.

Mayo Clinic Laboratories, Mayo Clinic
Classification: Benign. Last evaluated: 2018-02-19. Review status: criteria provided, single submitter. Criteria: ACMG Guidelines, 2015. Collection method: clinical testing. Allele origin: germline. Observed: 87 variant alleles.

GeneDx
Classification: Benign. Last evaluated: 2015-03-03. Review status: criteria provided, single submitter. Criteria: GeneDx Variant Classification Process June 2021. Collection method: clinical testing. Allele origin: germline. Affected: yes.

Laboratory for Molecular Medicine, Mass General Brigham Personalized Medicine
Classification: Benign. Last evaluated: 2015-01-13. Review status: criteria provided, single submitter. Criteria: LMM Criteria. Collection method: clinical testing. Allele origin: germline. Observed: 1 variant allele.
Comment: p.Asp4324Asp in exon 32 of PLEC: This variant is not expected to have clinical s ignificance because it does not alter an amino acid residue and is not located w ithin the splice consensus sequence. It has been identified in 26.9% (1134/4218) of African American chromosomes from a broad population by the NHLBI Exome Sequ encing Project (dbSNP rs11998271).

Eurofins Ntd Llc (ga)
Classification: Benign. Last evaluated: 2013-04-18. Review status: criteria provided, single submitter. Criteria: EGL Classification Definitions 2015. Collection method: clinical testing. Allele origin: germline. Observed: 2 variant alleles, 2 heterozygotes.

Breakthrough Genomics
Classification: Benign. Review status: criteria provided, single submitter. Criteria: ACMG Guidelines, 2015. Collection method: not provided. Allele origin: germline. Inheritance: Autosomal recessive inheritance. Affected: yes.

Clinical Genetics, Academic Medical Center
Classification: Benign. Review status: no assertion criteria provided. Collection method: clinical testing. Allele origin: germline. Affected: yes. Study: VKGL Data-share Consensus. Not counted in ClinVar's aggregate classification.

Genetic Services Laboratory, University of Chicago
Classification: Likely benign for AllHighlyPenetrant. Review status: no assertion criteria provided. Collection method: clinical testing. Allele origin: germline. Inheritance: Autosomal recessive inheritance. Not counted in ClinVar's aggregate classification.
Comment: Likely benign based on allele frequency in 1000 Genomes Project or ESP global frequency and its presence in a patient with a rare or unrelated disease phenotype. NOT Sanger confirmed.

Laboratory of Diagnostic Genome Analysis, Leiden University Medical Center (LUMC)
Classification: Likely benign. Review status: no assertion criteria provided. Collection method: clinical testing. Allele origin: germline. Affected: yes. Study: VKGL Data-share Consensus. Not counted in ClinVar's aggregate classification.